The following is an entry in ClinVar:

ClinVar aggregate classification (germline): Pathogenic (1 of 4 stars; one submission).

Submission:

Labcorp Genetics (formerly Invitae), Labcorp
Classification: Pathogenic. Last evaluated: 2025-09-25. Review status: criteria provided, single submitter. Criteria: Invitae Variant Classification Sherloc (09022015). Collection method: clinical testing. Allele origin: germline.
Comment: This sequence change creates a premature translational stop signal (p.Lys1175Glufs*7) in the SPTB gene. It is expected to result in an absent or disrupted protein product. Loss-of-function variants in SPTB are known to be pathogenic (PMID: 1391962, 1498324, 8844207, 26830532, 27292444). This variant is not present in population databases (gnomAD no frequency). This variant has not been reported in the literature in individuals affected with SPTB-related conditions. For these reasons, this variant has been classified as Pathogenic.

Literature cited by the submitters: PubMed 1391962; PubMed 1498324; PubMed 8844207; PubMed 26830532; PubMed 27292444.

NM_001355436.2(SPTB):c.3521dup (p.Lys1175fs)

Gene: SPTB (spectrin beta, erythrocytic; minus strand). Cytogenetic location: 14q23.3.
Variant type: Duplication.
Coding change: c.3521dup on transcript NM_001355436.2 (MANE Select); coding-DNA position 3521, one base duplicated (A; older notation c.3521dupA).
Protein change: p.Lys1175fs; shifts the reading frame from lysine 1175.
Molecular consequence: frameshift variant.
Genome position (GRCh38, 1-based): chr14:64,786,444, T duplicated on the plus strand (A on the coding strand, the reverse complement: SPTB is on the minus strand). VCF-style (leftmost placement, unchanged base first): chr14-64786443-C-CT. GRCh37 (hg19) VCF-style: chr14-65253161-C-CT.
Other names: c.3521dup, p.Lys1175fs (NM_001024858.4, NM_001355437.2); short protein forms K1175fs.
Identifiers: ClinVar variation 4727855 (VCV004727855.1).